The following is an entry in ClinVar:

ClinVar aggregate classification (germline): Uncertain significance (1 of 4 stars; one submission).

Conditions:
DK1-congenital disorder of glycosylation. Also called: CONGENITAL DISORDER OF GLYCOSYLATION, TYPE Im; CDG Im; DK1 DEFICIENCY; DOLICHOL KINASE DEFICIENCY; DOLK-congenital disorder of glycosylation; Carbohydrate deficient glycoprotein syndrome type 1m. Identifiers: Orphanet 91131, MedGen C1835849, MONDO:0012556, OMIM 610768.

Allele frequency attached by ClinVar (database versions not stated): gnomAD exomes below 0.00001; ExAC 0.00001; 1000 Genomes Project 30x 0.00016; 1000 Genomes Project 0.00020.

Submission:

Labcorp Genetics (formerly Invitae), Labcorp
Classification: Uncertain significance for DK1-congenital disorder of glycosylation. Last evaluated: 2022-03-17. Review status: criteria provided, single submitter. Criteria: Invitae Variant Classification Sherloc (09022015). Collection method: clinical testing. Allele origin: germline.
Comment: This sequence change replaces glycine, which is neutral and non-polar, with cysteine, which is neutral and slightly polar, at codon 145 of the DOLK protein (p.Gly145Cys). This variant is present in population databases (rs560894561, gnomAD 0.003%). This variant has not been reported in the literature in individuals affected with DOLK-related conditions. Algorithms developed to predict the effect of missense changes on protein structure and function are either unavailable or do not agree on the potential impact of this missense change (SIFT: "Tolerated"; PolyPhen-2: "Probably Damaging"; Align-GVGD: "Class C0"). In summary, the available evidence is currently insufficient to determine the role of this variant in disease. Therefore, it has been classified as a Variant of Uncertain Significance.

NM_014908.4(DOLK):c.433G>T (p.Gly145Cys)

Gene: DOLK (dolichol kinase; minus strand). Cytogenetic location: 9q34.11.
Variant type: single nucleotide variant.
Coding change: c.433G>T on transcript NM_014908.4 (MANE Select); coding-DNA position 433, G replaced by T.
Protein change: p.Gly145Cys; replaces glycine 145 with cysteine.
Molecular consequence: missense variant.
Genome position (GRCh38, 1-based): chr9:128,946,871, C>A on the plus strand (G>T on the coding strand, the complement: DOLK is on the minus strand). VCF-style: chr9-128946871-C-A. GRCh37 (hg19) VCF-style: chr9-131709150-C-A.
Other names: short protein forms G145C.
Identifiers: ClinVar variation 2084676 (VCV002084676.4), dbSNP rs560894561, ClinGen allele CA5271747.
Genomic context (GRCh38, chr9:128,946,871, plus strand): 5'-TCACCTCCCCCACGCTCAACGAGTGCTTCATGATATAAATGATAACACCTCCAGCCAAGC[C>A]CAAGATGACACAAGTGTTGGTTGGCACTGGGCGAGTGATGCCGAGCGCCAACACTGATGA-3'
Protein context (NP_055723.1, residues 135-155): PVPTNTCVIL[Gly145Cys]LAGGVIIYIM